The following is an entry in ClinVar:

ClinVar aggregate classification (germline): Conflicting classifications of pathogenicity. Review status: criteria provided, conflicting classifications (1 of 4 stars). 3 submissions from 3 submitters: Uncertain significance (2); Likely benign (1). Last evaluated 2022-08-21.

Conditions:
Hennekam lymphangiectasia-lymphedema syndrome 1 (HKLLS1). Also called: LYMPHATIC DYSPLASIA, GENERALIZED. Identifiers: Orphanet 2136, MedGen C4012050, MONDO:0009337, OMIM 235510.

Allele frequency attached by ClinVar (database versions not stated): TOPMed 0.00009; ESP Exome Variant Server 0.00015; 1000 Genomes Project 30x 0.00016.
gnomAD v4.1: 266 of 1,613,306 alleles (0.016%); highest among the groups gnomAD compares: Middle Eastern, 0.05%; 1 homozygote.

Submissions (3):

Labcorp Genetics (formerly Invitae), Labcorp
Classification: Uncertain significance. Last evaluated: 2022-08-21. Review status: criteria provided, single submitter. Criteria: Invitae Variant Classification Sherloc (09022015). Collection method: clinical testing. Allele origin: germline.
Comment: This sequence change falls in intron 6 of the CCBE1 gene. It does not directly change the encoded amino acid sequence of the CCBE1 protein. It affects a nucleotide within the consensus splice site. This variant is present in population databases (rs150596993, gnomAD 0.05%). This variant has not been reported in the literature in individuals affected with CCBE1-related conditions. ClinVar contains an entry for this variant (Variation ID: 515358). Variants that disrupt the consensus splice site are a relatively common cause of aberrant splicing (PMID: 17576681, 9536098). Algorithms developed to predict the effect of sequence changes on RNA splicing suggest that this variant is not likely to affect RNA splicing. In summary, the available evidence is currently insufficient to determine the role of this variant in disease. Therefore, it has been classified as a Variant of Uncertain Significance.

GeneDx
Classification: Likely benign. Last evaluated: 2018-02-12. Review status: criteria provided, single submitter. Criteria: GeneDx Variant Classification (06012015). Collection method: clinical testing. Allele origin: germline. Affected: yes.
Comment: This variant is considered likely benign or benign based on one or more of the following criteria: it is a conservative change, it occurs at a poorly conserved position in the protein, it is predicted to be benign by multiple in silico algorithms, and/or has population frequency not consistent with disease.

Illumina Laboratory Services, Illumina
Classification: Uncertain significance for Hennekam lymphangiectasia-lymphedema syndrome 1. Last evaluated: 2017-06-29. Review status: criteria provided, single submitter. Criteria: ICSL Variant Classification Criteria 13 December 2019. Collection method: clinical testing. Allele origin: germline.
Comment: This variant was observed as part of a predisposition screen in an ostensibly healthy population. A literature search was performed for the gene, cDNA change, and amino acid change (where applicable). Publications were found based on this search. However, the evidence from the literature, in combination with allele frequency data from public databases where available, was not sufficient to rule this variant in or out of causing disease. Therefore, this variant is classified as a variant of unknown significance.

Literature cited by the submitters: PubMed 17576681 (cited by Labcorp Genetics (formerly Invitae), Labcorp); PubMed 9536098 (cited by Labcorp Genetics (formerly Invitae), Labcorp); PubMed 27323140 (cited by Illumina Laboratory Services, Illumina).

NM_133459.4(CCBE1):c.654+5G>A

Gene: CCBE1 (collagen and calcium binding EGF domains 1; minus strand). Cytogenetic location: 18q21.32.
Variant type: single nucleotide variant.
Coding change: c.654+5G>A on transcript NM_133459.4 (MANE Select); 5 bases into the intron after coding-DNA position 654, G replaced by A.
Molecular consequence: intron variant.
Genome position (GRCh38, 1-based): chr18:59,454,846, C>T on the plus strand (G>A on the coding strand, the complement: CCBE1 is on the minus strand). VCF-style: chr18-59454846-C-T. GRCh37 (hg19) VCF-style: chr18-57122078-C-T.
Other names: c.654+5G>A (LRG_1209t1).
Identifiers: ClinVar variation 515358 (VCV000515358.8), dbSNP rs150596993, ClinGen allele CA8980395.